The following is an entry in ClinVar:

NM_021072.4(HCN1):c.934G>A (p.Asp312Asn)

Gene: HCN1 (hyperpolarization activated cyclic nucleotide gated potassium channel 1; minus strand). Cytogenetic location: 5p12.
Variant type: single nucleotide variant.
Coding change: c.934G>A on transcript NM_021072.4 (MANE Select); coding-DNA position 934, G replaced by A.
Protein change: p.Asp312Asn; replaces aspartic acid 312 with asparagine.
Molecular consequence: missense variant.
Genome position (GRCh38, 1-based): chr5:45,461,923, C>T on the plus strand (G>A on the coding strand, the complement: HCN1 is on the minus strand). VCF-style: chr5-45461923-C-T. GRCh37 (hg19) VCF-style: chr5-45462025-C-T.
Other names: short protein forms D312N.
Identifiers: ClinVar variation 4690113 (VCV004690113.1).

ClinVar aggregate classification (germline): Uncertain significance (1 of 4 stars; one submission).

Submission:

GeneDx
Classification: Uncertain significance. Last evaluated: 2025-07-29. Review status: criteria provided, single submitter. Criteria: GeneDx Variant Classification Process June 2021. Collection method: clinical testing. Allele origin: germline. Affected: yes.
Comment: Not observed at significant frequency in large population cohorts (gnomAD); In silico analysis supports that this missense variant has a deleterious effect on protein structure/function; Has not been previously published as pathogenic or benign to our knowledge